The following is an entry in ClinVar:

NM_001009994.3(RIPPLY2):c.150G>A (p.Glu50=)

Genes: RIPPLY2 (ripply transcriptional repressor 2; plus strand), RIPPLY2-CYB5R4 (RIPPLY2-CYB5R4 readthrough; plus strand). Cytogenetic location: 6q14.2.
Variant type: single nucleotide variant.
Coding change: c.150G>A on transcript NM_001009994.3 (MANE Select); coding-DNA position 150, G replaced by A.
Protein change: p.Glu50=; no amino-acid change (glutamic acid 50 retained).
Molecular consequence: synonymous variant. On other transcripts: non-coding transcript variant (1).
Genome position (GRCh38, 1-based): chr6:83,853,749, G>A. VCF-style: chr6-83853749-G-A. GRCh37 (hg19) VCF-style: chr6-84563468-G-A.
Identifiers: ClinVar variation 739856 (VCV000739856.8), dbSNP rs118127415, ClinGen allele CA3908839.

ClinVar aggregate classification (germline): Benign/Likely benign. Review status: criteria provided, multiple submitters, no conflicts (2 of 4 stars). 3 submissions from 3 submitters: Benign (1); Likely benign (2). Last evaluated 2026-07-30.

Conditions:
RIPPLY2-related disorder. Also called: RIPPLY2-related condition.

Allele frequency attached by ClinVar (database versions not stated): gnomAD 0.00011 and 0.00019; gnomAD exomes 0.00014 and 0.00030; TOPMed 0.00018; ExAC 0.00028; 1000 Genomes Project 30x 0.00156; 1000 Genomes Project 0.00180.
gnomAD v4.1: 236 of 1,613,512 alleles (0.015%); highest among the groups gnomAD compares: East Asian, 0.5%; 1 homozygote.

Submissions (3):

PreventionGenetics, part of Exact Sciences
Classification: Likely benign for RIPPLY2-related condition. Last evaluated: 2026-07-30. Review status: criteria provided, single submitter. Criteria: ACMG Guidelines, 2015. Collection method: clinical testing. Allele origin: germline.
Comment: This variant is classified as likely benign based on ACMG/AMP sequence variant interpretation guidelines (Richards et al. 2015 PMID: 25741868, with internal and published modifications).

Labcorp Genetics (formerly Invitae), Labcorp
Classification: Benign. Last evaluated: 2025-08-12. Review status: criteria provided, single submitter. Criteria: Invitae Variant Classification Sherloc (09022015). Collection method: clinical testing. Allele origin: germline.

Blueprint Genetics
Classification: Likely benign. Last evaluated: 2024-02-28. Review status: criteria provided, single submitter. Criteria: ACMG Guidelines, 2015. Collection method: clinical testing. Allele origin: germline.